The following is an entry in ClinVar:

NM_016156.6(MTMR2):c.1861C>T (p.Arg621Ter)

Gene: MTMR2 (myotubularin related protein 2; minus strand). Cytogenetic location: 11q21.
Variant type: single nucleotide variant.
Coding change: c.1861C>T on transcript NM_016156.6 (MANE Select); coding-DNA position 1861, C replaced by T.
Protein change: p.Arg621Ter; replaces arginine 621 with a stop codon.
Molecular consequence: nonsense.
Genome position (GRCh38, 1-based): chr11:95,835,361, G>A on the plus strand (C>T on the coding strand, the complement: MTMR2 is on the minus strand). VCF-style: chr11-95835361-G-A. GRCh37 (hg19) VCF-style: chr11-95568525-G-A.
Other names: c.1645C>T, p.Arg549Ter (NM_001243571.2, NM_201278.3, NM_201281.3); short protein forms R621*, R549*.
Identifiers: ClinVar variation 476871 (VCV000476871.10), dbSNP rs753364428, ClinGen allele CA6239836.

ClinVar aggregate classification (germline): Uncertain significance. Review status: criteria provided, multiple submitters, no conflicts (2 of 4 stars). 2 submissions from 2 submitters: Uncertain significance (2). Last evaluated 2022-10-18.

Conditions:
Inborn genetic diseases. Identifiers: MedGen C0950123, MeSH D030342.
Charcot-Marie-Tooth disease type 4. Also called: Charcot-Marie-Tooth disease, type IV; Charcot-Marie-Tooth, Type 4. Identifiers: Orphanet 64749, MedGen C4082197, MONDO:0018995.

Allele frequency attached by ClinVar (database versions not stated): gnomAD 0.00007 and 0.00006; ExAC 0.00002; gnomAD exomes 0.00002 and 0.00004; TOPMed 0.00004.
gnomAD v4.1: 67 of 1,612,930 alleles (0.0042%); highest among the groups gnomAD compares: African/African-American, 0.0053%; no homozygotes.

Submissions (2):

Labcorp Genetics (formerly Invitae), Labcorp
Classification: Uncertain significance for Charcot-Marie-Tooth disease type 4. Last evaluated: 2022-10-18. Review status: criteria provided, single submitter. Criteria: Invitae Variant Classification Sherloc (09022015). Collection method: clinical testing. Allele origin: germline.
Comment: In summary, the available evidence is currently insufficient to determine the role of this variant in disease. Therefore, it has been classified as a Variant of Uncertain Significance. Experimental studies and prediction algorithms are not available or were not evaluated, and the functional significance of this variant is currently unknown. ClinVar contains an entry for this variant (Variation ID: 476871). This variant has not been reported in the literature in individuals affected with MTMR2-related conditions. This variant is present in population databases (rs753364428, gnomAD 0.01%). This sequence change creates a premature translational stop signal (p.Arg621*) in the MTMR2 gene. While this is not anticipated to result in nonsense mediated decay, it is expected to disrupt the last 23 amino acid(s) of the MTMR2 protein.

Ambry Genetics
Classification: Uncertain significance for Inborn genetic diseases. Last evaluated: 2022-03-24. Review status: criteria provided, single submitter. Criteria: Ambry Variant Classification Scheme 2023. Collection method: clinical testing. Allele origin: germline.
Comment: The p.R621* variant (also known as c.1861C>T), located in coding exon 15 of the MTMR2 gene, results from a C to T substitution at nucleotide position 1861. This changes the amino acid from an arginine to a stop codon within coding exon 15. This alteration occurs at the 3' terminus of MTMR2 gene, is not expected to trigger nonsense-mediated mRNAdecay, and only impacts the last 3% of the protein. The exact functional effect of this alteration is unknown. Since supporting evidence is limited at this time, the clinical significance of this alteration remains unclear.